The following is an entry in ClinVar:

NM_001191061.2(SLC25A22):c.133G>A (p.Val45Met)

Gene: SLC25A22 (solute carrier family 25 member 22; minus strand). Cytogenetic location: 11p15.5.
Variant type: single nucleotide variant.
Coding change: c.133G>A on transcript NM_001191061.2 (MANE Select); coding-DNA position 133, G replaced by A.
Protein change: p.Val45Met; replaces valine 45 with methionine.
Molecular consequence: missense variant.
Genome position (GRCh38, 1-based): chr11:794,789, C>T on the plus strand (G>A on the coding strand, the complement: SLC25A22 is on the minus strand). VCF-style: chr11-794789-C-T. GRCh37 (hg19) VCF-style: chr11-794789-C-T.
Other names: p.V45M:GTG>ATG; c.133G>A, p.Val45Met (NM_001191060.2, NM_024698.6); short protein forms V45M.
Identifiers: ClinVar variation 207149 (VCV000207149.6), dbSNP rs570016062, ClinGen allele CA318335.

ClinVar aggregate classification (germline): Uncertain significance. Review status: criteria provided, multiple submitters, no conflicts (2 of 4 stars). 2 submissions from 2 submitters: Uncertain significance (2). Last evaluated 2025-12-01.

Conditions:
Early-infantile DEE. Also called: Early infantile epileptic encephalopathy; Ohtahara syndrome; Early infantile epileptic encephalopathy with suppression bursts. Identifiers: Orphanet 1934, MedGen C0393706, MONDO:0800491.

Allele frequency attached by ClinVar (database versions not stated): gnomAD 0.00003.

Submissions (2):

GeneDx
Classification: Uncertain significance. Last evaluated: 2025-12-01. Review status: criteria provided, single submitter. Criteria: GeneDx Variant Classification Process June 2021. Collection method: clinical testing. Allele origin: germline. Affected: yes.
Comment: See Variant Classification Assertion Criteria.

Labcorp Genetics (formerly Invitae), Labcorp
Classification: Uncertain significance for Early-infantile DEE. Last evaluated: 2025-01-06. Review status: criteria provided, single submitter. Criteria: Invitae Variant Classification Sherloc (09022015). Collection method: clinical testing. Allele origin: germline.
Comment: This sequence change replaces valine, which is neutral and non-polar, with methionine, which is neutral and non-polar, at codon 45 of the SLC25A22 protein (p.Val45Met). The frequency data for this variant in the population databases is considered unreliable, as metrics indicate poor data quality at this position in the gnomAD database. This variant has not been reported in the literature in individuals affected with SLC25A22-related conditions. ClinVar contains an entry for this variant (Variation ID: 207149). Invitae Evidence Modeling of protein sequence and biophysical properties (such as structural, functional, and spatial information, amino acid conservation, physicochemical variation, residue mobility, and thermodynamic stability) indicates that this missense variant is not expected to disrupt SLC25A22 protein function with a negative predictive value of 80%. In summary, the available evidence is currently insufficient to determine the role of this variant in disease. Therefore, it has been classified as a Variant of Uncertain Significance.